The following is an entry in ClinVar:

NM_152743.4(BRAT1):c.437T>A (p.Val146Asp)

Gene: BRAT1 (BRCA1 associated ATM activator 1; minus strand). Cytogenetic location: 7p22.3.
Variant type: single nucleotide variant.
Coding change: c.437T>A on transcript NM_152743.4 (MANE Select); coding-DNA position 437, T replaced by A.
Protein change: p.Val146Asp; replaces valine 146 with aspartic acid.
Molecular consequence: missense variant. On other transcripts: 5 prime UTR variant (1), non-coding transcript variant (1).
Genome position (GRCh38, 1-based): chr7:2,543,956, A>T on the plus strand (T>A on the coding strand, the complement: BRAT1 is on the minus strand). VCF-style: chr7-2543956-A-T. GRCh37 (hg19) VCF-style: chr7-2583590-A-T.
Other names: c.437T>A, p.Val146Asp (NM_001350626.2); c.-89T>A (NM_001350627.2); short protein forms V146D.
Identifiers: ClinVar variation 1034534 (VCV001034534.10), dbSNP rs778638400, ClinGen allele CA366632485.
Genomic context (GRCh38, chr7:2,543,956, plus strand): 5'-TGACTGGCCGCCGAGGCCACAAACAGGCTGGAGTCTCCCTGCAGGGAGAAGATGGTGTCG[A>T]CCGCACCTGGGTAGGGGATGGGGGAAGAGAGGGAAAAGGGGGTGAGCCAGAATAGAGCTG-3'
Protein context (NP_689956.2, residues 136-156): ALRFLADHGA[Val146Asp]DTIFSLQGDS

ClinVar aggregate classification (germline): Uncertain significance. Review status: criteria provided, multiple submitters, no conflicts (2 of 4 stars). 2 submissions from 2 submitters: Uncertain significance (2). Last evaluated 2022-08-23.

Conditions:
Neonatal-onset encephalopathy with rigidity and seizures. Also called: Lethal neonatal spasticity-epileptic encephalopathy syndrome. Identifiers: Orphanet 435845, MedGen C3281029, MONDO:0013784, OMIM 614498.

Allele frequency attached by ClinVar (database versions not stated): TOPMed below 0.00001.

Submissions (2):

Labcorp Genetics (formerly Invitae), Labcorp
Classification: Uncertain significance for Neonatal-onset encephalopathy with rigidity and seizures. Last evaluated: 2022-08-23. Review status: criteria provided, single submitter. Criteria: Invitae Variant Classification Sherloc (09022015). Collection method: clinical testing. Allele origin: germline.
Comment: This sequence change replaces valine, which is neutral and non-polar, with aspartic acid, which is acidic and polar, at codon 146 of the BRAT1 protein (p.Val146Asp). This variant is not present in population databases (gnomAD no frequency). This variant has not been reported in the literature in individuals affected with BRAT1-related conditions. ClinVar contains an entry for this variant (Variation ID: 1034534). Algorithms developed to predict the effect of missense changes on protein structure and function (SIFT, PolyPhen-2, Align-GVGD) all suggest that this variant is likely to be disruptive. In summary, the available evidence is currently insufficient to determine the role of this variant in disease. Therefore, it has been classified as a Variant of Uncertain Significance.

GeneDx
Classification: Uncertain significance. Last evaluated: 2019-03-26. Review status: criteria provided, single submitter. Criteria: GeneDx Variant Classification Process June 2021. Collection method: clinical testing. Allele origin: germline. Affected: yes.
Comment: Not observed in large population cohorts (Lek et al., 2016); In silico analysis, which includes protein predictors and evolutionary conservation, supports a deleterious effect; Has not been previously published as pathogenic or benign to our knowledge